The following is an entry in ClinVar:

ClinVar aggregate classification (germline): Benign/Likely benign. Review status: criteria provided, multiple submitters, no conflicts (2 of 4 stars). 3 submissions from 3 submitters: Benign (1); Likely benign (2). Last evaluated 2025-11-23.

Allele frequency attached by ClinVar (database versions not stated): gnomAD exomes 0.00031; ExAC 0.00033; ESP Exome Variant Server 0.00115; gnomAD 0.00115 and 0.00124; 1000 Genomes Project 0.00120; 1000 Genomes Project 30x 0.00125.

Submissions (3):

Labcorp Genetics (formerly Invitae), Labcorp
Classification: Benign. Last evaluated: 2025-11-23. Review status: criteria provided, single submitter. Criteria: Invitae Variant Classification Sherloc (09022015). Collection method: clinical testing. Allele origin: germline.

CeGaT Center for Human Genetics Tuebingen
Classification: Likely benign. Last evaluated: 2025-10-01. Review status: criteria provided, single submitter. Criteria: CeGaT Center For Human Genetics Tuebingen Variant Classification Criteria Version 2. Collection method: clinical testing. Allele origin: germline. Affected: yes. Observed: 2 variant alleles.
Comment: REST: BP4, BP7

Blueprint Genetics
Classification: Likely benign. Last evaluated: 2023-09-14. Review status: criteria provided, single submitter. Criteria: ACMG Guidelines, 2015. Collection method: clinical testing. Allele origin: germline.

NM_005612.5(REST):c.2457T>C (p.Asp819=)

Gene: REST (RE1 silencing transcription factor; plus strand). Cytogenetic location: 4q12.
Variant type: single nucleotide variant.
Coding change: c.2457T>C on transcript NM_005612.5 (MANE Select); coding-DNA position 2457, T replaced by C.
Protein change: p.Asp819=; no amino-acid change (aspartic acid 819 retained).
Molecular consequence: synonymous variant.
Genome position (GRCh38, 1-based): chr4:56,931,315, T>C. VCF-style: chr4-56931315-T-C. GRCh37 (hg19) VCF-style: chr4-57797481-T-C.
Other names: c.2457T>C, p.Asp819= (NM_001193508.2, NM_001363453.3).
Identifiers: ClinVar variation 1169756 (VCV001169756.34), dbSNP rs148677477, ClinGen allele CA2932490.